The following is an entry in ClinVar:

NM_003640.5(ELP1):c.2196G>A (p.Trp732Ter)

Gene: ELP1 (elongator acetyltransferase complex subunit 1; minus strand). Cytogenetic location: 9q31.3.
Variant type: single nucleotide variant.
Coding change: c.2196G>A on transcript NM_003640.5 (MANE Select); coding-DNA position 2196, G replaced by A.
Protein change: p.Trp732Ter; replaces tryptophan 732 with a stop codon.
Molecular consequence: nonsense.
Genome position (GRCh38, 1-based): chr9:108,899,830, C>T on the plus strand (G>A on the coding strand, the complement: ELP1 is on the minus strand). VCF-style: chr9-108899830-C-T. GRCh37 (hg19) VCF-style: chr9-111662110-C-T.
Other names: c.1854G>A, p.Trp618Ter (NM_001318360.2); c.1149G>A, p.Trp383Ter (NM_001330749.2); short protein forms W383*, W618*, W732*.
Identifiers: ClinVar variation 4815189 (VCV004815189.1).
Genomic context (GRCh38, chr9:108,899,830, plus strand): 5'-TTCACACATAAATCACAAGCTAACTAGTCGCAAACAGTACAATGGCACTTACTTGTCCAA[C>T]CACTTCCGAATCTGAGCTAAAACCAGGGCTCGATGATGAACAACTTCTAAGTTTCCCCTT-3'

ClinVar aggregate classification (germline): Likely pathogenic (1 of 4 stars; one submission).

Conditions:
Familial dysautonomia. Also called: HSAN III; FD. Identifiers: Orphanet 1764, MedGen C0013364, MONDO:0009131, OMIM 223900. Disease mechanism: loss of function.

Submission:

Natera, Inc.
Classification: Likely pathogenic for Familial dysautonomia. Last evaluated: 2025-06-20. Review status: criteria provided, single submitter. Criteria: Natera Variant Classification Schema (03/2026). Collection method: clinical testing. Allele origin: germline.
Comment: The c.2196G>A variant in ELP1 is a nonsense variant predicted to introduce a stop codon at amino acid 732. This variant is expected to result in nonsense mediated decay, truncation, or a dysfunctional protein product. This variant is rare in the general population with a frequency below the threshold expected for the associated phenotype(s). Given the available evidence, this variant is classified as Likely Pathogenic.